The following is an entry in ClinVar:

ClinVar aggregate classification (germline): Uncertain significance (1 of 4 stars; one submission).

Allele frequency attached by ClinVar (database versions not stated): gnomAD exomes 0.00001; gnomAD 0.00001.
gnomAD v4.1: 12 of 1,549,954 alleles (0.00077%); highest among the groups gnomAD compares: Admixed American, 0.0059%; no homozygotes.

Submission:

GeneDx
Classification: Uncertain significance. Last evaluated: 2020-01-14. Review status: criteria provided, single submitter. Criteria: GeneDx Variant Classification Process June 2021. Collection method: clinical testing. Allele origin: germline. Affected: yes.
Comment: In silico analysis, which includes protein predictors and evolutionary conservation, supports a deleterious effect; Has not been previously published as pathogenic or benign to our knowledge

NM_001142864.4(PIEZO1):c.5060C>T (p.Ser1687Leu)

Gene: PIEZO1 (piezo type mechanosensitive ion channel component 1 (Er blood group); minus strand). Cytogenetic location: 16q24.3.
Variant type: single nucleotide variant.
Coding change: c.5060C>T on transcript NM_001142864.4 (MANE Select); coding-DNA position 5060, C replaced by T.
Protein change: p.Ser1687Leu; replaces serine 1687 with leucine.
Molecular consequence: missense variant.
Genome position (GRCh38, 1-based): chr16:88,721,962, G>A on the plus strand (C>T on the coding strand, the complement: PIEZO1 is on the minus strand). VCF-style: chr16-88721962-G-A. GRCh37 (hg19) VCF-style: chr16-88788370-G-A.
Other names: short protein forms S1687L.
Identifiers: ClinVar variation 1302078 (VCV001302078.2), dbSNP rs1209923928, ClinGen allele CA397093535.